The following is an entry in ClinVar:

NM_002230.4(JUP):c.2110A>G (p.Met704Val)

Gene: JUP (junction plakoglobin; minus strand). Cytogenetic location: 17q21.2.
Variant type: single nucleotide variant.
Coding change: c.2110A>G on transcript NM_002230.4 (MANE Select); coding-DNA position 2110, A replaced by G.
Protein change: p.Met704Val; replaces methionine 704 with valine.
Molecular consequence: missense variant.
Genome position (GRCh38, 1-based): chr17:41,755,872, T>C on the plus strand (A>G on the coding strand, the complement: JUP is on the minus strand). VCF-style: chr17-41755872-T-C. GRCh37 (hg19) VCF-style: chr17-39912124-T-C.
Other names: c.2110A>G, p.Met704Val (NM_001352773.2, NM_001352774.2, NM_001352775.2 and 3 more transcripts); short protein forms M704V.
Identifiers: ClinVar variation 1897535 (VCV001897535.6), dbSNP rs1193204524, ClinGen allele CA399490736.

ClinVar aggregate classification (germline): Uncertain significance. Review status: criteria provided, multiple submitters, no conflicts (2 of 4 stars). 2 submissions from 2 submitters: Uncertain significance (2). Last evaluated 2025-08-30.

Conditions:
Arrhythmogenic right ventricular dysplasia 12. Also called: ARRHYTHMOGENIC RIGHT VENTRICULAR DYSPLASIA, FAMILIAL, 12. Identifiers: MedGen C1969081, MONDO:0012684, OMIM 611528.
Naxos disease (NXD). Also called: CARDIOMYOPATHY, ARRHYTHMOGENIC RIGHT VENTRICULAR, WITH SKIN, HAIR, AND NAIL ABNORMALITIES; WOOLLY HAIR, PALMOPLANTAR KERATODERMA, AND CARDIAC ABNORMALITIES; KERATOSIS PALMOPLANTARIS WITH ARRHYTHMOGENIC CARDIOMYOPATHY; MAL DE NAXOS; PALMOPLANTAR KERATODERMA WITH ARRHYTHMOGENIC RIGHT VENTRICULAR CARDIOMYOPATHY AND WOOLLY HAIR. Identifiers: Orphanet 34217, MedGen C1832600, MONDO:0011017, OMIM 601214.

Allele frequency attached by ClinVar (database versions not stated): gnomAD 0.00001; gnomAD exomes 0.00001; TOPMed 0.00001.
gnomAD v4.1: 13 of 1,611,126 alleles (0.00081%); highest among the groups gnomAD compares: African/African-American, 0.0013%; no homozygotes.

Submissions (2):

Labcorp Genetics (formerly Invitae), Labcorp
Classification: Uncertain significance for Arrhythmogenic right ventricular dysplasia 12; Naxos disease. Last evaluated: 2025-08-30. Review status: criteria provided, single submitter. Criteria: Invitae Variant Classification Sherloc (09022015). Collection method: clinical testing. Allele origin: germline.
Comment: This sequence change replaces methionine, which is neutral and non-polar, with valine, which is neutral and non-polar, at codon 704 of the JUP protein (p.Met704Val). This variant is present in population databases (no rsID available, gnomAD 0.0009%). This variant has not been reported in the literature in individuals affected with JUP-related conditions. ClinVar contains an entry for this variant (Variation ID: 1897535). An algorithm developed to predict the effect of missense changes on protein structure and function outputs the following: PolyPhen-2: "Benign". The valine amino acid residue is found in multiple mammalian species, which suggests that this missense change does not adversely affect protein function. In summary, the available evidence is currently insufficient to determine the role of this variant in disease. Therefore, it has been classified as a Variant of Uncertain Significance.

Blueprint Genetics
Classification: Uncertain significance. Last evaluated: 2020-09-11. Review status: criteria provided, single submitter. Criteria: ACMG Guidelines, 2015. Collection method: clinical testing. Allele origin: germline.